The following is an entry in ClinVar:

ClinVar aggregate classification (germline): Pathogenic (1 of 4 stars; one submission).

Conditions:
Hyperornithinemia-hyperammonemia-homocitrullinuria syndrome (HHHS). Also called: HHH SYNDROME; Ornithine translocase deficiency. Identifiers: Orphanet 415, MedGen C0268540, MONDO:0009393, OMIM 238970.

Submission:

Women's Health and Genetics/Laboratory Corporation of America, LabCorp
Classification: Pathogenic for Hyperornithinemia-hyperammonemia-homocitrullinuria syndrome. Last evaluated: 2022-09-08. Review status: criteria provided, single submitter. Criteria: LabCorp Variant Classification Summary - May 2015. Collection method: clinical testing. Allele origin: germline.
Comment: Variant summary: SLC25A15 c.862dupG (p.Glu288GlyfsX3) in the last exon of the protein results in a premature termination codon, predicted to cause a truncation of the encoded protein, which is a commonly known mechanisms for disease. This variant disrupts the C-terminus of the protein, and other variants in this region have been reported in assocation with SLC25A15-related conditions (p.Arg275Ter). The variant was absent in 251188 control chromosomes. c.862dupG has been reported in the literature as a homozygous genotype in at-least one individual affected with clinically, histologically and biochemically diagnosed Hyperornithinemia-Hyperammonemia-Homocitrullinuria Syndrome (Example Salvi_2001 etc.). At-least one publication reports experimental evidence indicating loss of ability to transport ornithine, arginine, lysine, and citrulline, likely leading to HHH syndrome (Fiermonte_2003). The most pronounced variant effect results in <10% of normal activity. No clinical diagnostic laboratories have submitted clinical-significance assessments for this variant to ClinVar after 2014. Based on the evidence outlined above, the variant was classified as pathogenic.

Literature cited by the submitters: PubMed 12807890; PubMed 11552031; PubMed 11668643.

NM_014252.4(SLC25A15):c.862dup (p.Glu288fs)

Gene: SLC25A15 (solute carrier family 25 member 15; plus strand). Cytogenetic location: 13q14.11.
Variant type: Duplication.
Coding change: c.862dup on transcript NM_014252.4 (MANE Select); coding-DNA position 862, one base duplicated (G; older notation c.862dupG).
Protein change: p.Glu288fs; shifts the reading frame from glutamic acid 288.
Molecular consequence: frameshift variant.
Genome position (GRCh38, 1-based): chr13:40,809,623, G duplicated. VCF-style (leftmost placement, unchanged base first): chr13-40809622-C-CG. GRCh37 (hg19) VCF-style: chr13-41383758-C-CG.
Other names: short protein forms E288fs.
Identifiers: ClinVar variation 1722426 (VCV001722426.1), dbSNP rs2546923499, ClinGen allele CA2580087524.
Genomic context (GRCh38, chr13:40,809,622, plus strand): 5'-TGGACTGAAACCTACTATGATTCGAGCATTCCCTGCCAATGGAGCACTCTTTTTGGCCTA[C>CG]GAATATAGCAGGAAGTTGATGATGAACCAGTTGGAAGCATACTGAAGTGTCTTGGTGGGC-3'